The following is an entry in ClinVar:

ClinVar aggregate classification (germline): Benign. Review status: reviewed by expert panel (3 of 4 stars). 2 submissions from 2 submitters: Benign (1). 1 of the submissions does not count toward it. Last evaluated 2020-05-13.

Conditions:
Hereditary thrombocytopenia and hematologic cancer predisposition syndrome. Identifiers: Orphanet 71290, MedGen CN281654, MONDO:0011071.
Hereditary thrombocytopenia and hematological cancer predisposition syndrome associated with RUNX1. Also called: PLATELET DISORDER, ASPIRIN-LIKE; RUNX1 Familial Platelet Disorder with Associated Myeloid Malignancies; Familial Platelet Disorder with Propensity to Acute Myelogenous Leukemia; Familial thrombocytopenia with propensity to acute myelogenous leukemia. Identifiers: Orphanet 71290, MedGen C1832388, MeSH C563324, MONDO:0100083, OMIM 601399.

Allele frequency attached by ClinVar (database versions not stated): 1000 Genomes Project 0.00220; 1000 Genomes Project 30x 0.00234; gnomAD 0.00338 and 0.00345; TOPMed 0.00382; gnomAD exomes 0.00520.
gnomAD v4.1: 939 of 233,384 alleles (0.4%); highest among the groups gnomAD compares: Non-Finnish European, 0.52%; 2 homozygotes.

Submissions (2):

ClinGen Myeloid Malignancy Variant Curation Expert Panel
Classification: Benign for Hereditary thrombocytopenia and hematologic cancer predisposition syndrome. Last evaluated: 2020-05-13. Review status: reviewed by expert panel. Criteria: ClinGen MyeloMalig ACMG Specifications v1. Collection method: curation. Allele origin: germline. Inheritance: Autosomal dominant inheritance.
Comment: The c.*4238G>T variant in the 3' UTR has an MAF of 0.004815 (0.48%, 311/64584 alleles) in the non-Finish European subpopulation of the gnomAD v3 cohort and is >= 0.0015 (0.15%) (BA1). This variant is detected in a homozygous state in 1 individual in the gnomAD v2.1.1 population database (BP2). In summary, this variant meets criteria to be classified as benign. ACMG/AMP criteria applied, as specified by the Myeloid Malignancy Variant Curation Expert Panel for RUNX1: BA1, BP2.

Illumina Laboratory Services, Illumina
Classification: Benign for Hereditary thrombocytopenia and hematological cancer predisposition syndrome associated with RUNX1. Last evaluated: 2018-01-13. Review status: criteria provided, single submitter. Criteria: ICSL Variant Classification Criteria 13 December 2019. Collection method: clinical testing. Allele origin: germline. Not counted in ClinVar's aggregate classification.
Comment: This variant was observed in the ICSL laboratory as part of a predisposition screen in an ostensibly healthy population. It had not been previously curated by ICSL or reported in the Human Gene Mutation Database (HGMD: prior to June 1st, 2018), and was therefore a candidate for classification through an automated scoring system. Utilizing variant allele frequency, disease prevalence and penetrance estimates, and inheritance mode, an automated score was calculated to assess if this variant is too frequent to cause the disease. Based on the score and internal cut-off values, a variant classified as benign is not then subjected to further curation. The score for this variant resulted in a classification of benign for this disease.

NM_001754.5(RUNX1):c.*4238G>T

Gene: RUNX1 (RUNX family transcription factor 1; minus strand). Cytogenetic location: 21q22.12.
Variant type: single nucleotide variant.
Coding change: c.*4238G>T on transcript NM_001754.5 (MANE Select); 4238 bases downstream of the stop codon, G replaced by T.
Molecular consequence: 3 prime UTR variant.
Genome position (GRCh38, 1-based): chr21:34,787,897, C>A on the plus strand (G>T on the coding strand, the complement: RUNX1 is on the minus strand). VCF-style: chr21-34787897-C-A. GRCh37 (hg19) VCF-style: chr21-36160194-C-A.
Other names: c.*4238G>T (NM_001001890.3, NM_001754.4).
Identifiers: ClinVar variation 339793 (VCV000339793.6), dbSNP rs138870671, ClinGen allele CA10652904.